The following is an entry in ClinVar:

ClinVar aggregate classification (germline): Pathogenic. Review status: reviewed by expert panel (3 of 4 stars). 4 submissions from 4 submitters: Pathogenic (1). 3 of the submissions do not count toward it. Last evaluated 2016-09-08.

Conditions:
Hereditary breast ovarian cancer syndrome. Also called: Hereditary breast and ovarian cancer syndrome (HBOC); Breast and ovarian cancer; Hereditary breast and ovarian cancer syndrome; Hereditary breast and ovarian cancer; BRCA1- and BRCA2-Associated Hereditary Breast and Ovarian Cancer; Hereditary breast and/or ovarian cancer syndrome. Identifiers: Orphanet 145, MedGen C0677776, MeSH D061325, MONDO:0003582. Disease mechanism: loss of function.
Breast-ovarian cancer, familial, susceptibility to, 1 (BROVCA1). Also called: BRCA1 Hereditary Breast and Ovarian Cancer; OVARIAN CANCER, SUSCEPTIBILITY TO. Identifiers: Orphanet 145, MedGen C2676676, MONDO:0011450, OMIM 604370. Disease mechanism: loss of function.

Submissions (4):

Evidence-based Network for the Interpretation of Germline Mutant Alleles (ENIGMA)
Classification: Pathogenic for Breast-ovarian cancer, familial, susceptibility to, 1. Last evaluated: 2016-09-08. Review status: reviewed by expert panel. Criteria: ENIGMA BRCA1/2 Classification Criteria (2015). Collection method: curation. Allele origin: germline.
Comment: Variant allele predicted to encode a truncated non-functional protein.

Labcorp Genetics (formerly Invitae), Labcorp
Classification: Pathogenic for Hereditary breast ovarian cancer syndrome. Last evaluated: 2024-06-24. Review status: criteria provided, single submitter. Criteria: Invitae Variant Classification Sherloc (09022015). Collection method: clinical testing. Allele origin: germline. Not counted in ClinVar's aggregate classification.
Comment: This sequence change creates a premature translational stop signal (p.Ser1286Valfs*21) in the BRCA1 gene. It is expected to result in an absent or disrupted protein product. Loss-of-function variants in BRCA1 are known to be pathogenic (PMID: 20104584). This variant is not present in population databases (gnomAD no frequency). This variant has not been reported in the literature in individuals affected with BRCA1-related conditions. ClinVar contains an entry for this variant (Variation ID: 254445). For these reasons, this variant has been classified as Pathogenic.

Baylor Genetics
Classification: Likely pathogenic for Breast-ovarian cancer, familial, susceptibility to, 1. Last evaluated: 2022-03-29. Review status: criteria provided, single submitter. Criteria: ACMG Guidelines, 2015. Collection method: clinical testing. Allele origin: unknown. Not counted in ClinVar's aggregate classification.

Sharing Clinical Reports Project (SCRP)
Classification: Pathogenic for Breast-ovarian cancer, familial 1. Last evaluated: 2007-12-22. Review status: no assertion criteria provided. Collection method: clinical testing. Allele origin: germline. Not counted in ClinVar's aggregate classification.

Literature cited by the submitters: PubMed 20104584 (cited by Labcorp Genetics (formerly Invitae), Labcorp).

NM_007294.4(BRCA1):c.3853del (p.Ser1286fs)

Genes: BRCA1 (BRCA1 DNA repair associated; minus strand), LOC126862571 (BRD4-independent group 4 enhancer GRCh37_chr17:41243136-41244335; plus strand). Cytogenetic location: 17q21.31.
Variant type: Deletion.
Coding change: c.3853del on transcript NM_007294.4 (MANE Select); coding-DNA position 3853, one base deleted (C; older notation c.3853delC).
Protein change: p.Ser1286fs; shifts the reading frame from serine 1286.
Molecular consequence: frameshift variant. On other transcripts: intron variant (135).
Genome position (GRCh38, 1-based): chr17:43,091,678, G deleted on the plus strand (C on the coding strand, the reverse complement: BRCA1 is on the minus strand); the first of 2 consecutive G bases (chr17:43,091,678-43,091,679); deleting either gives the same sequence. VCF-style (leftmost placement, unchanged base first): chr17-43091677-AG-A. GRCh37 (hg19) VCF-style: chr17-41243694-AG-A.
Other names: 3971delC; c.3853delC (NM_007294.3); c.3640del, p.Ser1215fs (NM_001407571.1, NM_001407853.1, NM_001407894.1 and 9 more transcripts); c.3853del, p.Ser1286fs (NM_001407581.1, NM_001407582.1, NM_001407583.1 and 30 more transcripts); c.3850del, p.Ser1285fs (NM_001407587.1, NM_001407590.1, NM_001407591.1 and 22 more transcripts); c.3844del, p.Ser1283fs (NM_001407646.1, NM_001407647.1); c.3730del, p.Ser1245fs (NM_001407648.1, NM_001407664.1, NM_001407665.1 and 19 more transcripts); c.3727del, p.Ser1244fs (NM_001407649.1, NM_001407670.1, NM_001407671.1 and 11 more transcripts); and 43 more; short protein forms S1239fs, S1286fs, S1159fs, S1175fs, S1216fs, S1244fs, S1245fs, S1259fs.
Identifiers: ClinVar variation 254445 (VCV000254445.6), dbSNP rs397507222, ClinGen allele CA002483.